The following is an entry in ClinVar:

ClinVar aggregate classification (germline): Uncertain significance (1 of 4 stars; one submission).

Conditions:
Hyper-IgM syndrome type 1. Also called: Hyper-IgM Immunodeficiency Syndrome, Type 1; CD40 Ligand Deficiency; X-linked hyper-IgM syndrome; Immunodeficiency, X-linked, with hyper-IgM. Identifiers: Orphanet 101088, MedGen C0398689, MONDO:0010626, OMIM 308230.

gnomAD v4.1: 8 of 1,180,099 alleles (0.00068%); highest among the groups gnomAD compares: South Asian, 0.014%; no homozygotes.

Submission:

Labcorp Genetics (formerly Invitae), Labcorp
Classification: Uncertain significance for Hyper-IgM syndrome type 1. Last evaluated: 2024-12-15. Review status: criteria provided, single submitter. Criteria: Invitae Variant Classification Sherloc (09022015). Collection method: clinical testing. Allele origin: germline.
Comment: This sequence change replaces leucine, which is neutral and non-polar, with isoleucine, which is neutral and non-polar, at codon 59 of the CD40LG protein (p.Leu59Ile). This variant is present in population databases (rs749829408, gnomAD 0.01%), including at least one homozygous and/or hemizygous individual. This variant has not been reported in the literature in individuals affected with CD40LG-related conditions. Invitae Evidence Modeling of protein sequence and biophysical properties (such as structural, functional, and spatial information, amino acid conservation, physicochemical variation, residue mobility, and thermodynamic stability) indicates that this missense variant is not expected to disrupt CD40LG protein function with a negative predictive value of 80%. In summary, the available evidence is currently insufficient to determine the role of this variant in disease. Therefore, it has been classified as a Variant of Uncertain Significance.

NM_000074.3(CD40LG):c.175C>A (p.Leu59Ile)

Gene: CD40LG (CD40 ligand; plus strand). Cytogenetic location: Xq26.3.
Variant type: single nucleotide variant.
Coding change: c.175C>A on transcript NM_000074.3 (MANE Select); coding-DNA position 175, C replaced by A.
Protein change: p.Leu59Ile; replaces leucine 59 with isoleucine.
Molecular consequence: missense variant.
Genome position (GRCh38, 1-based): chrX:136,650,284, C>A. VCF-style: chrX-136650284-C-A. GRCh37 (hg19) VCF-style: chrX-135732443-C-A.
Other names: short protein forms L59I.
Identifiers: ClinVar variation 3698974 (VCV003698974.2).